The following is an entry in ClinVar:

ClinVar aggregate classification (germline): Uncertain significance (1 of 4 stars; one submission).

gnomAD v4.1: 2 of 1,602,660 alleles (0.00012%); highest among the groups gnomAD compares: Admixed American, 0.0017%; no homozygotes.

Submission:

Labcorp Genetics (formerly Invitae), Labcorp
Classification: Uncertain significance. Last evaluated: 2024-07-06. Review status: criteria provided, single submitter. Criteria: Invitae Variant Classification Sherloc (09022015). Collection method: clinical testing. Allele origin: germline.
Comment: This sequence change replaces glutamine, which is neutral and polar, with proline, which is neutral and non-polar, at codon 592 of the DCHS1 protein (p.Gln592Pro). This variant is present in population databases (no rsID available, gnomAD 0.003%). This variant has not been reported in the literature in individuals affected with DCHS1-related conditions. Advanced modeling of protein sequence and biophysical properties (such as structural, functional, and spatial information, amino acid conservation, physicochemical variation, residue mobility, and thermodynamic stability) performed at Invitae indicates that this missense variant is not expected to disrupt DCHS1 protein function with a negative predictive value of 95%. In summary, the available evidence is currently insufficient to determine the role of this variant in disease. Therefore, it has been classified as a Variant of Uncertain Significance.

NM_003737.4(DCHS1):c.1775A>C (p.Gln592Pro)

Gene: DCHS1 (dachsous cadherin-related 1; minus strand). Cytogenetic location: 11p15.4.
Variant type: single nucleotide variant.
Coding change: c.1775A>C on transcript NM_003737.4 (MANE Select); coding-DNA position 1775, A replaced by C.
Protein change: p.Gln592Pro; replaces glutamine 592 with proline.
Molecular consequence: missense variant.
Genome position (GRCh38, 1-based): chr11:6,639,839, T>G on the plus strand (A>C on the coding strand, the complement: DCHS1 is on the minus strand). VCF-style: chr11-6639839-T-G. GRCh37 (hg19) VCF-style: chr11-6661070-T-G.
Other names: short protein forms Q592P.
Identifiers: ClinVar variation 3610328 (VCV003610328.2).